The following is an entry in ClinVar:

ClinVar aggregate classification (germline): Pathogenic, low penetrance (1 of 4 stars; one submission).

Conditions:
Atypical hemolytic-uremic syndrome. Identifiers: Orphanet 2134, MedGen C2931788, MONDO:0016244.

Submission:

Genomenon, Inc
Classification: Pathogenic, low penetrance for Atypical hemolytic-uremic syndrome. Last evaluated: 2025-10-02. Review status: criteria provided, single submitter. Criteria: Genomenon Sequence Variant Interpretation Standards. Collection method: curation. Allele origin: germline. Affected: yes.
Comment: CD46 p.Glu222Ter (c.664G>T) is a nonsense variant that introduces a premature stop codon at amino acid position 222, creating a truncated protein that is predicted to undergo nonsense-mediated mRNA decay. This variant has been observed in at least one proband affected with atypical hemolytic-uremic syndrome (PMID:34169201). It is absent or not present at a significant frequency in gnomAD. In conclusion, we classify CD46 p.Glu222Ter (c.664G>T) as a pathogenic variant.

Literature cited by the submitters: PubMed 34169201.

NM_172351.3(CD46):c.664G>T (p.Glu222Ter)

Gene: CD46 (CD46 molecule; plus strand). Cytogenetic location: 1q32.2.
Variant type: single nucleotide variant.
Coding change: c.664G>T on transcript NM_172351.3 (MANE Select); coding-DNA position 664, G replaced by T.
Protein change: p.Glu222Ter; replaces glutamic acid 222 with a stop codon.
Molecular consequence: nonsense.
Genome position (GRCh38, 1-based): chr1:207,761,437, G>T. VCF-style: chr1-207761437-G-T. GRCh37 (hg19) VCF-style: chr1-207934782-G-T.
Other names: c.664G>T, p.Glu222Ter (NM_002389.4, NM_153826.4, NM_172350.3 and 8 more transcripts); short protein forms E222*.
Identifiers: ClinVar variation 4291202 (VCV004291202.1).